The following is an entry in ClinVar:

NM_130837.3(OPA1):c.1935+1G>T

Gene: OPA1 (OPA1 mitochondrial dynamin like GTPase; plus strand). Cytogenetic location: 3q29.
Variant type: single nucleotide variant.
Coding change: c.1935+1G>T on transcript NM_130837.3 (MANE Select); the canonical splice donor site of the intron after coding-DNA position 1935, G replaced by T.
Molecular consequence: splice donor variant.
Genome position (GRCh38, 1-based): chr3:193,648,135, G>T. VCF-style: chr3-193648135-G-T. GRCh37 (hg19) VCF-style: chr3-193365924-G-T.
Other names: c.1398+1G>T (NM_001354664.2); c.1401+1G>T (NM_001354663.2); c.1824+1G>T (NM_130834.3); c.1881+1G>T (NM_130836.3); c.1770+1G>T (NM_015560.3); c.1827+1G>T (NM_130835.3); c.1716+1G>T (NM_130832.3); c.1773+1G>T (NM_130833.3); and 1 more.
Identifiers: ClinVar variation 3776054 (VCV003776054.2).

ClinVar aggregate classification (germline): Likely pathogenic. Review status: criteria provided, multiple submitters, no conflicts (2 of 4 stars). 2 submissions from 2 submitters: Likely pathogenic (2). Last evaluated 2026-02-01.

Conditions:
Abortive cerebellar ataxia (BEHRS). Also called: OPTIC ATROPHY, INFANTILE HEREDITARY, WITH NEUROLOGIC ABNORMALITIES; Behr syndrome. Identifiers: Orphanet 1239, MedGen C0221061, MONDO:0008858, OMIM 210000.

Submissions (2):

Labcorp Genetics (formerly Invitae), Labcorp
Classification: Likely pathogenic. Last evaluated: 2026-02-01. Review status: criteria provided, single submitter. Criteria: Invitae Variant Classification Sherloc (09022015). Collection method: clinical testing. Allele origin: germline.
Comment: This sequence change affects a donor splice site in intron 18 of the OPA1 gene. It is expected to disrupt RNA splicing. Variants that disrupt the donor or acceptor splice site typically lead to a loss of protein function (PMID: 16199547), and loss-of-function variants in OPA1 are known to be pathogenic (PMID: 11440988, 20157015, 20952381, 25012220). This variant is not present in population databases (gnomAD no frequency). This variant has not been reported in the literature in individuals affected with OPA1-related conditions. ClinVar contains an entry for this variant (Variation ID: 3776054). Algorithms developed to predict the effect of sequence changes on RNA splicing suggest that this variant may disrupt the consensus splice site. In summary, the currently available evidence indicates that the variant is pathogenic, but additional data are needed to prove that conclusively. Therefore, this variant has been classified as Likely Pathogenic.

3billion
Classification: Likely pathogenic for Abortive cerebellar ataxia. Last evaluated: 2023-12-07. Review status: criteria provided, single submitter. Criteria: ACMG Guidelines, 2015. Collection method: clinical testing. Allele origin: germline. Affected: yes.
Comment: The variant is not observed in the gnomAD v2.1.1 dataset. Predicted Consequence/Location: Canonical splice site: predicted to alter splicing and result in a loss or disruption of normal protein function. Multiple pathogenic loss-of-function variants are reported downstream of the variant. Therefore, this variant is classified as Likely pathogenic according to the recommendation of ACMG/AMP guideline.

Literature cited by the submitters: PubMed 16199547 (cited by Labcorp Genetics (formerly Invitae), Labcorp); PubMed 11440988 (cited by Labcorp Genetics (formerly Invitae), Labcorp); PubMed 20157015 (cited by Labcorp Genetics (formerly Invitae), Labcorp); PubMed 20952381 (cited by Labcorp Genetics (formerly Invitae), Labcorp); PubMed 25012220 (cited by Labcorp Genetics (formerly Invitae), Labcorp).